The following is an entry in ClinVar:

NM_177438.3(DICER1):c.4114T>G (p.Ser1372Ala)

Gene: DICER1 (dicer 1, ribonuclease III; minus strand). Cytogenetic location: 14q32.13.
Variant type: single nucleotide variant.
Coding change: c.4114T>G on transcript NM_177438.3 (MANE Select); coding-DNA position 4114, T replaced by G.
Protein change: p.Ser1372Ala; replaces serine 1372 with alanine.
Molecular consequence: missense variant. On other transcripts: non-coding transcript variant (6).
Genome position (GRCh38, 1-based): chr14:95,099,872, A>C on the plus strand (T>G on the coding strand, the complement: DICER1 is on the minus strand). VCF-style: chr14-95099872-A-C. GRCh37 (hg19) VCF-style: chr14-95566209-A-C.
Other names: c.4114T>G, p.Ser1372Ala (NM_001395694.1, NM_001395695.1, NM_030621.4 and 12 more transcripts); c.3709T>G, p.Ser1237Ala (NM_001395696.1, NM_001395687.1, NM_001395688.1 and 2 more transcripts); c.2431T>G, p.Ser811Ala (NM_001395697.1); c.3832T>G, p.Ser1278Ala (NM_001395686.1); c.3547T>G, p.Ser1183Ala (NM_001395691.1); short protein forms S1237A, S1183A, S1278A, S811A, S1372A.
Identifiers: ClinVar variation 4746826 (VCV004746826.1).

ClinVar aggregate classification (germline): Uncertain significance (1 of 4 stars; one submission).

Conditions:
DICER1-related tumor predisposition. Also called: DICER1-related pleuropulmonary blastoma cancer predisposition syndrome; DICER1 syndrome. Identifiers: Orphanet 284343, MedGen C3839822, MONDO:0100216.

Submission:

Labcorp Genetics (formerly Invitae), Labcorp
Classification: Uncertain significance for DICER1-related tumor predisposition. Last evaluated: 2025-03-26. Review status: criteria provided, single submitter. Criteria: Invitae Variant Classification Sherloc (09022015). Collection method: clinical testing. Allele origin: germline.
Comment: This sequence change replaces serine, which is neutral and polar, with alanine, which is neutral and non-polar, at codon 1372 of the DICER1 protein (p.Ser1372Ala). This variant is not present in population databases (gnomAD no frequency). This variant has not been reported in the literature in individuals affected with DICER1-related conditions. Invitae Evidence Modeling of protein sequence and biophysical properties (such as structural, functional, and spatial information, amino acid conservation, physicochemical variation, residue mobility, and thermodynamic stability) indicates that this missense variant is not expected to disrupt DICER1 protein function with a negative predictive value of 95%. In summary, the available evidence is currently insufficient to determine the role of this variant in disease. Therefore, it has been classified as a Variant of Uncertain Significance.